The following is an entry in ClinVar:

ClinVar aggregate classification (germline): Uncertain significance (1 of 4 stars; one submission).

Conditions:
Leber congenital amaurosis 6 (LCA6). Identifiers: Orphanet 65, MedGen C1854260, MONDO:0013446, OMIM 613826.
Cone-rod dystrophy 13 (CORD13). Identifiers: Orphanet 1872, MedGen C2750720, MONDO:0011987, OMIM 608194.

Allele frequency attached by ClinVar (database versions not stated): ExAC 0.00004.
gnomAD v4.1: 10 of 1,593,682 alleles (0.00063%); highest among the groups gnomAD compares: South Asian, 0.009%; no homozygotes.

Submission:

Labcorp Genetics (formerly Invitae), Labcorp
Classification: Uncertain significance for Leber congenital amaurosis 6; Cone-rod dystrophy 13. Last evaluated: 2022-08-16. Review status: criteria provided, single submitter. Criteria: Invitae Variant Classification Sherloc (09022015). Collection method: clinical testing. Allele origin: germline.
Comment: In summary, the available evidence is currently insufficient to determine the role of this variant in disease. Therefore, it has been classified as a Variant of Uncertain Significance. Algorithms developed to predict the effect of missense changes on protein structure and function output the following: SIFT: "Tolerated"; PolyPhen-2: "Benign"; Align-GVGD: "Class C0". The threonine amino acid residue is found in multiple mammalian species, which suggests that this missense change does not adversely affect protein function. This variant has not been reported in the literature in individuals affected with RPGRIP1-related conditions. The frequency data for this variant in the population databases is considered unreliable, as metrics indicate poor data quality at this position in the gnomAD database. This sequence change replaces alanine, which is neutral and non-polar, with threonine, which is neutral and polar, at codon 139 of the RPGRIP1 protein (p.Ala139Thr).

NM_020366.4(RPGRIP1):c.415G>A (p.Ala139Thr)

Gene: RPGRIP1 (RPGR interacting protein 1; plus strand). Cytogenetic location: 14q11.2.
Variant type: single nucleotide variant.
Coding change: c.415G>A on transcript NM_020366.4 (MANE Select); coding-DNA position 415, G replaced by A.
Protein change: p.Ala139Thr; replaces alanine 139 with threonine.
Molecular consequence: missense variant.
Genome position (GRCh38, 1-based): chr14:21,301,162, G>A. VCF-style: chr14-21301162-G-A. GRCh37 (hg19) VCF-style: chr14-21769321-G-A.
Other names: short protein forms A139T.
Identifiers: ClinVar variation 2108994 (VCV002108994.4), dbSNP rs763210717, ClinGen allele CA7088652.